The following is an entry in ClinVar:

ClinVar aggregate classification (germline): Uncertain significance (1 of 4 stars; one submission).

Conditions:
Immunodeficiency 39 (IMD39). Identifiers: Orphanet 574918, MedGen C4225358, MONDO:0014597, OMIM 616345.

Submission:

Labcorp Genetics (formerly Invitae), Labcorp
Classification: Uncertain significance for Immunodeficiency 39. Last evaluated: 2025-08-20. Review status: criteria provided, single submitter. Criteria: Invitae Variant Classification Sherloc (09022015). Collection method: clinical testing. Allele origin: germline.
Comment: This sequence change replaces glutamic acid, which is acidic and polar, with glutamine, which is neutral and polar, at codon 476 of the IRF7 protein (p.Glu476Gln). This variant is not present in population databases (gnomAD no frequency). This variant has not been reported in the literature in individuals affected with IRF7-related conditions. ClinVar contains an entry for this variant (Variation ID: 1023361). Invitae Evidence Modeling of protein sequence and biophysical properties (such as structural, functional, and spatial information, amino acid conservation, physicochemical variation, residue mobility, and thermodynamic stability) indicates that this missense variant is not expected to disrupt IRF7 protein function with a negative predictive value of 80%. In summary, the available evidence is currently insufficient to determine the role of this variant in disease. Therefore, it has been classified as a Variant of Uncertain Significance.

NM_001572.5(IRF7):c.1387G>C (p.Glu463Gln)

Gene: IRF7 (interferon regulatory factor 7; minus strand). Cytogenetic location: 11p15.5.
Variant type: single nucleotide variant.
Coding change: c.1387G>C on transcript NM_001572.5 (MANE Select); coding-DNA position 1387, G replaced by C.
Protein change: p.Glu463Gln; replaces glutamic acid 463 with glutamine.
Molecular consequence: missense variant.
Genome position (GRCh38, 1-based): chr11:612,770, C>G on the plus strand (G>C on the coding strand, the complement: IRF7 is on the minus strand). VCF-style: chr11-612770-C-G. GRCh37 (hg19) VCF-style: chr11-612770-C-G.
Other names: c.1300G>C, p.Glu434Gln (NM_004029.4); c.1426G>C, p.Glu476Gln (NM_004031.4); short protein forms E434Q, E463Q, E476Q.
Identifiers: ClinVar variation 1023361 (VCV001023361.8), dbSNP rs375003348, ClinGen allele CA378976082.